The following is an entry in ClinVar:

ClinVar aggregate classification (germline): Pathogenic (1 of 4 stars; one submission).

Conditions:
Marfan syndrome (MFS). Also called: MARFAN SYNDROME, TYPE I; Marfan syndrome type 1; Marfan's syndrome; Marfan syndrome, classic; FBN1-Related Marfan Syndrome. Identifiers: Orphanet 284963, Orphanet 558, MedGen C0024796, MONDO:0007947, OMIM 154700.
Familial thoracic aortic aneurysm and aortic dissection (TAAD). Also called: Thoracic aortic aneurysms and dissections. Identifiers: Orphanet 91387, MedGen C4707243, MONDO:0019625.

Submission:

Labcorp Genetics (formerly Invitae), Labcorp
Classification: Pathogenic for Marfan syndrome; Familial thoracic aortic aneurysm and aortic dissection. Last evaluated: 2024-07-04. Review status: criteria provided, single submitter. Criteria: Invitae Variant Classification Sherloc (09022015). Collection method: clinical testing. Allele origin: germline.
Comment: This sequence change creates a premature translational stop signal (p.Pro1437Leufs*36) in the FBN1 gene. It is expected to result in an absent or disrupted protein product. Loss-of-function variants in FBN1 are known to be pathogenic (PMID: 17657824, 19293843). This variant is not present in population databases (gnomAD no frequency). This variant has not been reported in the literature in individuals affected with FBN1-related conditions. For these reasons, this variant has been classified as Pathogenic.

Literature cited by the submitters: PubMed 17657824; PubMed 19293843.

NM_000138.5(FBN1):c.4310_4316del (p.Pro1437fs)

Genes: FBN1 (fibrillin 1; minus strand), LOC126862124 (CDK7 strongly-dependent group 2 enhancer GRCh37_chr15:48764566-48765765; plus strand). Cytogenetic location: 15q21.1.
Variant type: Deletion.
Coding change: c.4310_4316del on transcript NM_000138.5 (MANE Select); coding-DNA positions 4310 to 4316, 7 bases deleted (CCAGTGC; older notation c.4310_4316delCCAGTGC).
Protein change: p.Pro1437fs; shifts the reading frame from proline 1437.
Molecular consequence: frameshift variant.
Genome position (GRCh38, 1-based): chr15:48,472,571-48,472,577, GCACTGG deleted on the plus strand (CCAGTGC on the coding strand, the reverse complement: FBN1 is on the minus strand); deleting any 7 consecutive bases within chr15:48,472,571-48,472,581 gives the same sequence; the c. name uses the placement nearest the transcript's 3' end. VCF-style (leftmost placement, unchanged base first): chr15-48472570-AGCACTGG-A. GRCh37 (hg19) VCF-style: chr15-48764767-AGCACTGG-A.
Other names: c.4310_4316del, p.Pro1437fs (NM_001406716.1); short protein forms P1437fs.
Identifiers: ClinVar variation 3757148 (VCV003757148.2).